The following is an entry in ClinVar:

NM_018368.4(LMBRD1):c.416C>T (p.Thr139Met)

Gene: LMBRD1 (LMBR1 domain containing 1; minus strand). Cytogenetic location: 6q13.
Variant type: single nucleotide variant.
Coding change: c.416C>T on transcript NM_018368.4 (MANE Select); coding-DNA position 416, C replaced by T.
Protein change: p.Thr139Met; replaces threonine 139 with methionine.
Molecular consequence: missense variant.
Genome position (GRCh38, 1-based): chr6:69,749,398, G>A on the plus strand (C>T on the coding strand, the complement: LMBRD1 is on the minus strand). VCF-style: chr6-69749398-G-A. GRCh37 (hg19) VCF-style: chr6-70459290-G-A.
Other names: c.197C>T, p.Thr66Met (NM_001363722.2, NM_001367271.1, NM_001367272.1); c.416C>T (NM_018368.3); short protein forms T139M, T66M.
Identifiers: ClinVar variation 1439848 (VCV001439848.5), dbSNP rs767657325, ClinGen allele CA3879903.

ClinVar aggregate classification (germline): Uncertain significance. Review status: criteria provided, multiple submitters, no conflicts (2 of 4 stars). 3 submissions from 3 submitters: Uncertain significance (3). Last evaluated 2022-07-06.

Conditions:
Inborn genetic diseases. Identifiers: MedGen C0950123, MeSH D030342.
Methylmalonic aciduria and homocystinuria type cblF. Also called: COBALAMIN F DISEASE; COBALAMIN, DEFECT IN LYSOSOMAL RELEASE OF; METHYLMALONIC ACIDEMIA AND HOMOCYSTINURIA, cblF TYPE; METHYLMALONIC ACIDURIA DUE TO VITAMIN B12-RELEASE DEFECT; VITAMIN B12 LYSOSOMAL RELEASE DEFECT; VITAMIN B12 STORAGE DISEASE. Identifiers: Orphanet 79284, MedGen C1848578, MONDO:0010183, OMIM 277380.

Allele frequency attached by ClinVar (database versions not stated): gnomAD 0.00005 and 0.00007; TOPMed 0.00006; gnomAD exomes 0.00010 and 0.00018; ExAC 0.00017.
gnomAD v4.1: 156 of 1,611,254 alleles (0.0097%); highest among the groups gnomAD compares: South Asian, 0.088%; 3 homozygotes.

Submissions (3):

Labcorp Genetics (formerly Invitae), Labcorp
Classification: Uncertain significance for Methylmalonic aciduria and homocystinuria type cblF. Last evaluated: 2022-07-06. Review status: criteria provided, single submitter. Criteria: Invitae Variant Classification Sherloc (09022015). Collection method: clinical testing. Allele origin: germline.
Comment: This sequence change replaces threonine, which is neutral and polar, with methionine, which is neutral and non-polar, at codon 139 of the LMBRD1 protein (p.Thr139Met). This variant is present in population databases (rs767657325, gnomAD 0.08%). This variant has not been reported in the literature in individuals affected with LMBRD1-related conditions. ClinVar contains an entry for this variant (Variation ID: 1439848). Algorithms developed to predict the effect of missense changes on protein structure and function output the following: SIFT: "Tolerated"; PolyPhen-2: "Benign"; Align-GVGD: "Class C0". The methionine amino acid residue is found in multiple mammalian species, which suggests that this missense change does not adversely affect protein function. Algorithms developed to predict the effect of sequence changes on RNA splicing suggest that this variant may disrupt the consensus splice site. In summary, the available evidence is currently insufficient to determine the role of this variant in disease. Therefore, it has been classified as a Variant of Uncertain Significance.

Ambry Genetics
Classification: Uncertain significance for Inborn genetic diseases. Last evaluated: 2021-01-27. Review status: criteria provided, single submitter. Criteria: Ambry Variant Classification Scheme 2023. Collection method: clinical testing. Allele origin: germline.
Comment: The c.416C>T (p.T139M) alteration is located in exon 5 (coding exon 5) of the LMBRD1 gene. This alteration results from a C to T substitution at nucleotide position 416, causing the threonine (T) at amino acid position 139 to be replaced by a methionine (M). The p.T139M alteration is predicted to be tolerated by in silico analysis. Based on insufficient or conflicting evidence, the clinical significance of this alteration remains unclear.

Breakthrough Genomics
Classification: Uncertain significance. Review status: criteria provided, single submitter. Criteria: ACMG Guidelines, 2015. Collection method: not provided. Allele origin: germline. Inheritance: Autosomal recessive inheritance. Affected: yes.